The following is an entry in ClinVar:

ClinVar aggregate classification (germline): Likely benign (0 of 4 stars; one submission).

Conditions:
IL17RD-related disorder. Also called: IL17RD-related condition.

Allele frequency attached by ClinVar (database versions not stated): gnomAD exomes below 0.00001.
gnomAD v4.1: 1 of 1,603,652 alleles (0.000062%); highest among the groups gnomAD compares: Non-Finnish European, 0.000085%; no homozygotes.

Submission:

PreventionGenetics, part of Exact Sciences
Classification: Likely benign for IL17RD-related condition. Last evaluated: 2020-04-20. Review status: no assertion criteria provided. Collection method: clinical testing. Allele origin: germline.
Comment: This variant is classified as likely benign based on ACMG/AMP sequence variant interpretation guidelines (Richards et al. 2015 PMID: 25741868, with internal and published modifications).

NM_017563.5(IL17RD):c.1986A>G (p.Ser662=)

Genes: IL17RD (interleukin 17 receptor D; minus strand), LOC126806689 (BRD4-independent group 4 enhancer GRCh37_chr3:57131244-57132443; plus strand). Cytogenetic location: 3p14.3.
Variant type: single nucleotide variant.
Coding change: c.1986A>G on transcript NM_017563.5 (MANE Select); coding-DNA position 1986, A replaced by G.
Protein change: p.Ser662=; no amino-acid change (serine 662 retained).
Molecular consequence: synonymous variant.
Genome position (GRCh38, 1-based): chr3:57,097,717, T>C on the plus strand (A>G on the coding strand, the complement: IL17RD is on the minus strand). VCF-style: chr3-57097717-T-C. GRCh37 (hg19) VCF-style: chr3-57131745-T-C.
Other names: c.1986A>G, p.Ser662= (NM_001080973.1); c.1554A>G, p.Ser518= (NM_001318864.2).
Identifiers: ClinVar variation 3054167 (VCV003054167.2), dbSNP rs2471600208, ClinGen allele CA434140692.